The following is an entry in ClinVar:

ClinVar aggregate classification (germline): Uncertain significance (1 of 4 stars; one submission).

Conditions:
Neurodegeneration with brain iron accumulation 2B. Also called: NEUROAXONAL DYSTROPHY, ATYPICAL; NEURODEGENERATION WITH BRAIN IRON ACCUMULATION, PLA2G6-RELATED; aNAD; atypical Neuroaxonal Dystrophy (aNAD). Identifiers: Orphanet 35069, MedGen C1857747, MONDO:0012444, OMIM 610217.

Submission:

Neuberg Centre For Genomic Medicine, NCGM
Classification: Uncertain significance for Neurodegeneration with brain iron accumulation 2B. Review status: criteria provided, single submitter. Criteria: ACMG Guidelines, 2015. Collection method: clinical testing. Allele origin: germline. Affected: yes.
Comment: The missense variant p.P559L in PLA2G6 (NM_003560.4) has not been reported previously as a pathogenic variant nor as a benign variant, to our knowledge. The p.P559L variant is novel (not in any individuals) in gnomAD Exomes and is novel (not in any individuals) in 1000 Genomes. The p.P559L missense variant is predicted to be damaging by both SIFT and PolyPhen2. The proline residue at codon 559 of PLA2G6 is conserved in all mammalian species. The nucleotide c.1676 in PLA2G6 is predicted conserved by GERP++ and PhyloP across 100 vertebrates. For these reasons, this variant has been classified as Uncertain Significance.

NM_003560.4(PLA2G6):c.1676C>T (p.Pro559Leu)

Gene: PLA2G6 (phospholipase A2 group VI; minus strand). Cytogenetic location: 22q13.1.
Variant type: single nucleotide variant.
Coding change: c.1676C>T on transcript NM_003560.4 (MANE Select); coding-DNA position 1676, C replaced by T.
Protein change: p.Pro559Leu; replaces proline 559 with leucine.
Molecular consequence: missense variant.
Genome position (GRCh38, 1-based): chr22:38,120,825, G>A on the plus strand (C>T on the coding strand, the complement: PLA2G6 is on the minus strand). VCF-style: chr22-38120825-G-A. GRCh37 (hg19) VCF-style: chr22-38516832-G-A.
Other names: c.1514C>T, p.Pro505Leu (NM_001004426.3, NM_001199562.3, NM_001349865.2 and 1 more transcripts); c.1676C>T, p.Pro559Leu (NM_001349864.2); c.1142C>T, p.Pro381Leu (NM_001349867.2); c.998C>T, p.Pro333Leu (NM_001349868.2); c.980C>T, p.Pro327Leu (NM_001349869.2); short protein forms P327L, P333L, P381L, P505L, P559L.
Identifiers: ClinVar variation 1339074 (VCV001339074.2), dbSNP rs2145711085, ClinGen allele CA411527355.